The following is an entry in ClinVar:

ClinVar aggregate classification (germline): Likely pathogenic (1 of 4 stars; one submission).

Conditions:
X-linked Alport syndrome (ATS1). Also called: COL4A5-Related Nephropathy; NEPHROPATHY AND DEAFNESS, X-LINKED. Identifiers: Orphanet 63, Orphanet 88917, MedGen C4746986, MONDO:0010520, OMIM 301050.

Submission:

Precision Medicine Center, Zhengzhou University
Classification: Likely pathogenic for X-linked Alport syndrome. Review status: criteria provided, single submitter. Criteria: ACMG Guidelines, 2015. Collection method: research. Allele origin: germline. Affected: yes.
Comment: PM1:Located in a mutational hot spot PM2:not found in gnomAD PM5: Novel missense change at an amino acid residue where a different missense change determined to be pathogenic has been seen before PP3:Multiple lines of computational evidence support a deleterious effect on the gene or gene product

NM_033380.3(COL4A5):c.539G>A (p.Gly180Glu)

Gene: COL4A5 (collagen type IV alpha 5 chain; plus strand). Cytogenetic location: Xq22.3.
Variant type: single nucleotide variant.
Coding change: c.539G>A on transcript NM_033380.3 (MANE Select); coding-DNA position 539, G replaced by A.
Protein change: p.Gly180Glu; replaces glycine 180 with glutamic acid.
Molecular consequence: missense variant.
Genome position (GRCh38, 1-based): chrX:108,573,647, G>A. VCF-style: chrX-108573647-G-A. GRCh37 (hg19) VCF-style: chrX-107816877-G-A.
Other names: c.539G>A, p.Gly180Glu (NM_000495.5); short protein forms G180E.
Identifiers: ClinVar variation 1077054 (VCV001077054.1), dbSNP rs2147759475, ClinGen allele CA413921110.
Genomic context (GRCh38, chrX:108,573,647, plus strand): 5'-GTATAATTATGTCATCACTGCCAGGACCAAAGGGTAATCCAGGATATCCAGGTCCTCCTG[G>A]AATACAAGTAAGTATCCAGTGATTTTCTTTTTTTGCTATATTGATTAAACCAGAAGATTA-3'
Protein context (NP_203699.1, residues 170-190): KGNPGYPGPP[Gly180Glu]IQGLPGPTGI